The following is an entry in ClinVar:

NM_000038.6(APC):c.4493A>G (p.Asp1498Gly)

Gene: APC (APC regulator of Wnt signaling pathway; plus strand). Cytogenetic location: 5q22.2.
Variant type: single nucleotide variant.
Coding change: c.4493A>G on transcript NM_000038.6 (MANE Select); coding-DNA position 4493, A replaced by G.
Protein change: p.Asp1498Gly; replaces aspartic acid 1498 with glycine.
Molecular consequence: missense variant.
Genome position (GRCh38, 1-based): chr5:112,840,087, A>G. VCF-style: chr5-112840087-A-G. GRCh37 (hg19) VCF-style: chr5-112175784-A-G.
Other names: p.D1498G:GAT>GGT; c.4493A>G, p.Asp1498Gly (NM_001127510.3, NM_001354895.2); c.4439A>G, p.Asp1480Gly (NM_001127511.3); c.4547A>G, p.Asp1516Gly (NM_001354896.2); c.4523A>G, p.Asp1508Gly (NM_001354897.2); c.4418A>G, p.Asp1473Gly (NM_001354898.2); c.4409A>G, p.Asp1470Gly (NM_001354899.2); c.4370A>G, p.Asp1457Gly (NM_001354900.2); and 6 more; short protein forms D1498G, D1480G, D1407G, D1439G, D1457G, D1215G, D1338G, D1372G.
Identifiers: ClinVar variation 127296 (VCV000127296.23), dbSNP rs587779793, ClinGen allele CA009585.

ClinVar aggregate classification (germline): Uncertain significance. Review status: criteria provided, multiple submitters, no conflicts (2 of 4 stars). 6 submissions from 6 submitters: Uncertain significance (6). Last evaluated 2025-08-11.

Conditions:
Hereditary cancer-predisposing syndrome. Also called: Hereditary Cancer Syndrome; Hereditary neoplastic syndrome; Tumor predisposition; Neoplastic Syndromes, Hereditary. Identifiers: Orphanet 140162, MedGen C0027672, MeSH D009386, MONDO:0015356.
Classic or attenuated familial adenomatous polyposis. Identifiers: MedGen CN372698, MONDO:0021057.
Familial adenomatous polyposis 1 (FAP1). Also called: FAMILIAL ADENOMATOUS POLYPOSIS 1, ATTENUATED; POLYPOSIS, ADENOMATOUS INTESTINAL. Identifiers: MedGen C2713442, MONDO:0021056, OMIM 175100. Disease mechanism: loss of function.

Allele frequency attached by ClinVar (database versions not stated): gnomAD exomes below 0.00001; gnomAD 0.00001.
gnomAD v4.1: 4 of 1,614,160 alleles (0.00025%); highest among the groups gnomAD compares: East Asian, 0.0089%; no homozygotes.

Submissions (6):

Labcorp Genetics (formerly Invitae), Labcorp
Classification: Uncertain significance for Familial adenomatous polyposis 1. Last evaluated: 2025-08-11. Review status: criteria provided, single submitter. Criteria: Invitae Variant Classification Sherloc (09022015). Collection method: clinical testing. Allele origin: germline.
Comment: This sequence change replaces aspartic acid, which is acidic and polar, with glycine, which is neutral and non-polar, at codon 1498 of the APC protein (p.Asp1498Gly). This variant is present in population databases (rs587779793, gnomAD 0.006%). This variant has not been reported in the literature in individuals affected with APC-related conditions. ClinVar contains an entry for this variant (Variation ID: 127296). Invitae Evidence Modeling of protein sequence and biophysical properties (such as structural, functional, and spatial information, amino acid conservation, physicochemical variation, residue mobility, and thermodynamic stability) indicates that this missense variant is not expected to disrupt APC protein function with a negative predictive value of 95%. RNA analysis performed to evaluate the impact of this missense change on mRNA splicing indicates it does not significantly alter splicing (internal data). In summary, the available evidence is currently insufficient to determine the role of this variant in disease. Therefore, it has been classified as a Variant of Uncertain Significance.

Ambry Genetics
Classification: Uncertain significance for Hereditary cancer-predisposing syndrome. Last evaluated: 2025-01-23. Review status: criteria provided, single submitter. Criteria: Ambry Variant Classification Scheme 2023. Collection method: clinical testing. Allele origin: germline.
Comment: The p.D1498G variant (also known as c.4493A>G), located in coding exon 15 of the APC gene, results from an A to G substitution at nucleotide position 4493. The aspartic acid at codon 1498 is replaced by glycine, an amino acid with similar properties. This amino acid position is well conserved in available vertebrate species. In addition, in silico predictors for this gene do not accurately predict pathogenicity. Missense alterations in APC are not a common cause of disease (Spier I et al. Genet Med. 2024 Feb;26(2):100992). Based on the available evidence, the clinical significance of this variant remains unclear.

Color Diagnostics, LLC DBA Color Health
Classification: Uncertain significance for Hereditary cancer-predisposing syndrome. Last evaluated: 2024-03-06. Review status: criteria provided, single submitter. Criteria: ACMG Guidelines, 2015. Collection method: clinical testing. Allele origin: germline.
Comment: This missense variant replaces aspartic acid with glycine at codon 1498 of the APC protein. Computational prediction is inconclusive regarding the impact of this variant on protein structure and function (internally defined REVEL score threshold 0.5 < inconclusive < 0.7, PMID: 27666373). To our knowledge, functional studies have not been reported for this variant. This variant has not been reported in individuals affected with hereditary cancer in the literature. This variant has been identified in 1/250254 chromosomes in the general population by the Genome Aggregation Database (gnomAD). The available evidence is insufficient to determine the role of this variant in disease conclusively. Therefore, this variant is classified as a Variant of Uncertain Significance.

All of Us Research Program, National Institutes of Health
Classification: Uncertain significance for Classic or attenuated familial adenomatous polyposis. Last evaluated: 2023-11-30. Review status: criteria provided, single submitter. Criteria: ACMG Guidelines, 2015. Collection method: clinical testing. Allele origin: germline. Inheritance: Autosomal dominant inheritance. Observed: 1 variant allele, 1 heterozygote.
Comment: This missense variant replaces aspartic acid with glycine at codon 1498 of the APC protein. Computational prediction is inconclusive regarding the impact of this variant on protein structure and function (internally defined REVEL score threshold 0.5 < inconclusive < 0.7, PMID: 27666373). To our knowledge, functional studies have not been reported for this variant. This variant has not been reported in individuals affected with hereditary cancer in the literature. This variant has been identified in 1/250254 chromosomes in the general population by the Genome Aggregation Database (gnomAD). The available evidence is insufficient to determine the role of this variant in disease conclusively. Therefore, this variant is classified as a Variant of Uncertain Significance.

This study involves interpretation of variants in research participants for the purpose of population health screening. Participant phenotype was not available at the time of variant classification. Additional details can be found in publication PMID: 35346344, PMCID: PMC8962531

Baylor Genetics
Classification: Uncertain significance for Familial adenomatous polyposis 1. Last evaluated: 2023-08-03. Review status: criteria provided, single submitter. Criteria: ACMG Guidelines, 2015. Collection method: clinical testing. Allele origin: unknown.

GeneDx
Classification: Uncertain significance. Last evaluated: 2021-09-06. Review status: criteria provided, single submitter. Criteria: GeneDx Variant Classification Process June 2021. Collection method: clinical testing. Allele origin: germline. Affected: yes.
Comment: Not observed at significant frequency in large population cohorts (Lek et al., 2016); In silico analysis supports that this missense variant has a deleterious effect on protein structure/function; Has not been previously published as pathogenic or benign to our knowledge; This variant is associated with the following publications: (PMID: 18199528)